The following is an entry in ClinVar:

ClinVar aggregate classification (germline): Pathogenic (1 of 4 stars; one submission).

Submission:

Labcorp Genetics (formerly Invitae), Labcorp
Classification: Pathogenic. Last evaluated: 2021-06-06. Review status: criteria provided, single submitter. Criteria: Invitae Variant Classification Sherloc (09022015). Collection method: clinical testing. Allele origin: germline.
Comment: This sequence change affects an acceptor splice site in intron 17 of the NPHS1 gene. It is expected to disrupt RNA splicing. Variants that disrupt the donor or acceptor splice site typically lead to a loss of protein function (PMID: 16199547), and loss-of-function variants in NPHS1 are known to be pathogenic (PMID: 11317351, 11854170, 12039988). This variant is not present in population databases (ExAC no frequency). Disruption of this splice site has been observed in individual(s) with congenital nephrotic syndrome (PMID: 9915943, 28117080, 24902943, 11854170). Algorithms developed to predict the effect of sequence changes on RNA splicing suggest that this variant may disrupt the consensus splice site, but this prediction has not been confirmed by published transcriptional studies. For these reasons, this variant has been classified as Pathogenic.

Literature cited by the submitters: PubMed 16199547; PubMed 11317351; PubMed 11854170; PubMed 12039988; PubMed 9915943; PubMed 28117080; PubMed 24902943.

NM_004646.4(NPHS1):c.2335-2A>G

Gene: NPHS1 (NPHS1 adhesion molecule, nephrin; minus strand). Cytogenetic location: 19q13.12.
Variant type: single nucleotide variant.
Coding change: c.2335-2A>G on transcript NM_004646.4 (MANE Select); the canonical splice acceptor site of the intron before coding-DNA position 2335, A replaced by G.
Molecular consequence: splice acceptor variant.
Genome position (GRCh38, 1-based): chr19:35,842,552, T>C on the plus strand (A>G on the coding strand, the complement: NPHS1 is on the minus strand). VCF-style: chr19-35842552-T-C. GRCh37 (hg19) VCF-style: chr19-36333454-T-C.
Identifiers: ClinVar variation 1357218 (VCV001357218.8), dbSNP rs2146819931, ClinGen allele CA405394148.